The following is an entry in ClinVar:

NM_004438.5(EPHA4):c.420C>A (p.Asn140Lys)

Gene: EPHA4 (EPH receptor A4; minus strand). Cytogenetic location: 2q36.1.
Variant type: single nucleotide variant.
Coding change: c.420C>A on transcript NM_004438.5 (MANE Select); coding-DNA position 420, C replaced by A.
Protein change: p.Asn140Lys; replaces asparagine 140 with lysine.
Molecular consequence: missense variant.
Genome position (GRCh38, 1-based): chr2:221,564,134, G>T on the plus strand (C>A on the coding strand, the complement: EPHA4 is on the minus strand). VCF-style: chr2-221564134-G-T. GRCh37 (hg19) VCF-style: chr2-222428854-G-T.
Other names: c.420C>A, p.Asn140Lys (NM_001304536.2, NM_001363748.2); c.267C>A, p.Asn89Lys (NM_001304537.2); short protein forms N140K, N89K.
Identifiers: ClinVar variation 1480544 (VCV001480544.6), dbSNP rs2106209238, ClinGen allele CA350410279.

ClinVar aggregate classification (germline): Uncertain significance (1 of 4 stars; one submission).

Submission:

Labcorp Genetics (formerly Invitae), Labcorp
Classification: Uncertain significance. Last evaluated: 2021-08-04. Review status: criteria provided, single submitter. Criteria: Invitae Variant Classification Sherloc (09022015). Collection method: clinical testing. Allele origin: germline.
Comment: In summary, the available evidence is currently insufficient to determine the role of this variant in disease. Therefore, it has been classified as a Variant of Uncertain Significance. Algorithms developed to predict the effect of missense changes on protein structure and function are either unavailable or do not agree on the potential impact of this missense change (SIFT: "Deleterious"; PolyPhen-2: "Benign"; Align-GVGD: "Class C0"). This variant has not been reported in the literature in individuals affected with EPHA4-related conditions. This variant is not present in population databases (ExAC no frequency). This sequence change replaces asparagine with lysine at codon 140 of the EPHA4 protein (p.Asn140Lys). The asparagine residue is weakly conserved and there is a moderate physicochemical difference between asparagine and lysine.